The following is an entry in ClinVar:

NM_000088.4(COL1A1):c.124C>T (p.Gln42Ter)

Gene: COL1A1 (collagen type I alpha 1 chain; minus strand). Cytogenetic location: 17q21.33.
Variant type: single nucleotide variant.
Coding change: c.124C>T on transcript NM_000088.4 (MANE Select); coding-DNA position 124, C replaced by T.
Protein change: p.Gln42Ter; replaces glutamine 42 with a stop codon.
Molecular consequence: nonsense.
Genome position (GRCh38, 1-based): chr17:50,199,927, G>A on the plus strand (C>T on the coding strand, the complement: COL1A1 is on the minus strand). VCF-style: chr17-50199927-G-A. GRCh37 (hg19) VCF-style: chr17-48277288-G-A.
Other names: short protein forms Q42*.
Identifiers: ClinVar variation 2733678 (VCV002733678.3), dbSNP rs1223061614, ClinGen allele CA400228661.

ClinVar aggregate classification (germline): Pathogenic (1 of 4 stars; one submission).

Conditions:
Osteogenesis imperfecta type I (OI1). Also called: Classic Non-deforming Osteogenesis Imperfecta with Blue Sclerae; Lobstein disease; OI, TYPE I; OSTEOGENESIS IMPERFECTA TARDA; OSTEOGENESIS IMPERFECTA WITH BLUE SCLERAE; Osteogenesis imperfecta type 1. Identifiers: Orphanet 216796, Orphanet 666, MedGen C0023931, MONDO:0008146, OMIM 166200. Disease mechanism: loss of function.

Submission:

Labcorp Genetics (formerly Invitae), Labcorp
Classification: Pathogenic for Osteogenesis imperfecta type I. Last evaluated: 2023-06-30. Review status: criteria provided, single submitter. Criteria: Invitae Variant Classification Sherloc (09022015). Collection method: clinical testing. Allele origin: germline.
Comment: This sequence change creates a premature translational stop signal (p.Gln42*) in the COL1A1 gene. It is expected to result in an absent or disrupted protein product. Loss-of-function variants in COL1A1 are known to be pathogenic (PMID: 7942841, 9295084, 9443882). For these reasons, this variant has been classified as Pathogenic. This variant has not been reported in the literature in individuals affected with COL1A1-related conditions. This variant is not present in population databases (gnomAD no frequency).

Literature cited by the submitters: PubMed 7942841; PubMed 9295084; PubMed 9443882.